The following is an entry in ClinVar:

NM_018897.3(DNAH7):c.5143C>A (p.Leu1715Met)

Gene: DNAH7 (dynein axonemal heavy chain 7; minus strand). Cytogenetic location: 2q32.3.
Variant type: single nucleotide variant.
Coding change: c.5143C>A on transcript NM_018897.3 (MANE Select); coding-DNA position 5143, C replaced by A.
Protein change: p.Leu1715Met; replaces leucine 1715 with methionine.
Molecular consequence: missense variant.
Genome position (GRCh38, 1-based): chr2:195,888,885, G>T on the plus strand (C>A on the coding strand, the complement: DNAH7 is on the minus strand). VCF-style: chr2-195888885-G-T. GRCh37 (hg19) VCF-style: chr2-196753609-G-T.
Other names: short protein forms L1715M.
Identifiers: ClinVar variation 3084109 (VCV003084109.2), dbSNP rs1291718566, ClinGen allele CA349938507.

ClinVar aggregate classification (germline): Uncertain significance. Review status: criteria provided, multiple submitters, no conflicts (2 of 4 stars). 2 submissions from 2 submitters: Uncertain significance (2). Last evaluated 2024-01-02.

Allele frequency attached by ClinVar (database versions not stated): gnomAD exomes below 0.00001; gnomAD 0.00001; TOPMed 0.00002.
gnomAD v4.1: 11 of 1,613,882 alleles (0.00068%); highest among the groups gnomAD compares: Admixed American, 0.0017%; no homozygotes.

Submissions (2):

Ambry Genetics
Classification: Uncertain significance. Last evaluated: 2024-01-02. Review status: criteria provided, single submitter. Criteria: Ambry Variant Classification Scheme 2023. Collection method: clinical testing. Allele origin: germline.

GeneDx
Classification: Uncertain significance. Last evaluated: 2023-10-25. Review status: criteria provided, single submitter. Criteria: GeneDx Variant Classification Process June 2021. Collection method: clinical testing. Allele origin: germline. Affected: yes.
Comment: In silico analysis supports that this missense variant does not alter protein structure/function; Has not been previously published as pathogenic or benign to our knowledge; Variants in candidate genes are classified as variants of uncertain significance in accordance with ACMG guidelines (PMID: 25741868)